The following is an entry in ClinVar:

NM_000829.4(GRIA4):c.94C>A (p.Leu32Ile)

Gene: GRIA4 (glutamate ionotropic receptor AMPA type subunit 4; plus strand). Cytogenetic location: 11q22.3.
Variant type: single nucleotide variant.
Coding change: c.94C>A on transcript NM_000829.4 (MANE Select); coding-DNA position 94, C replaced by A.
Protein change: p.Leu32Ile; replaces leucine 32 with isoleucine.
Molecular consequence: missense variant. On other transcripts: non-coding transcript variant (1).
Genome position (GRCh38, 1-based): chr11:105,612,281, C>A. VCF-style: chr11-105612281-C-A. GRCh37 (hg19) VCF-style: chr11-105483008-C-A.
Other names: c.94C>A, p.Leu32Ile (NM_001077243.3, NM_001077244.2, NM_001112812.2); short protein forms L32I.
Identifiers: ClinVar variation 3357548 (VCV003357548.1).

ClinVar aggregate classification (germline): Uncertain significance (0 of 4 stars; one submission).

Conditions:
GRIA4-related disorder. Also called: GRIA4-related condition.

gnomAD v4.1: 1 of 1,613,874 alleles (0.000062%); highest among the groups gnomAD compares: African/African-American, 0.0013%; no homozygotes.

Submission:

PreventionGenetics, part of Exact Sciences
Classification: Uncertain significance for GRIA4-related condition. Last evaluated: 2024-05-16. Review status: no assertion criteria provided. Collection method: clinical testing. Allele origin: germline.
Comment: The GRIA4 c.94C>A variant is predicted to result in the amino acid substitution p.Leu32Ile. To our knowledge, this variant has not been reported in the literature. This variant is reported in 0.012% of alleles in individuals of African descent in gnomAD. At this time, the clinical significance of this variant is uncertain due to the absence of conclusive functional and genetic evidence.